The following is an entry in ClinVar:

ClinVar aggregate classification (germline): Benign. Review status: criteria provided, multiple submitters, no conflicts (2 of 4 stars). 12 submissions from 11 submitters: Benign (9). 3 of the submissions do not count toward it. Last evaluated 2026-02-04.

Conditions:
Autosomal dominant cerebellar ataxia, deafness and narcolepsy. Also called: Autosomal Dominant Cerebellar Ataxia, Deafness, and Narcolepsy (ADCA-DN). Identifiers: Orphanet 314404, MedGen C4302668, MONDO:0011397, OMIM 604121.
Hereditary sensory neuropathy-deafness-dementia syndrome. Also called: HSN IE; Hereditary sensory neuropathy type IE; NEUROPATHY, HEREDITARY SENSORY, WITH HEARING LOSS AND DEMENTIA; Hereditary Sensory and Autonomic Neuropathy Type 1E (HSAN1E). Identifiers: Orphanet 456318, MedGen C3279885, MONDO:0013584, OMIM 614116.

Allele frequency attached by ClinVar (database versions not stated): ESP Exome Variant Server 0.49116; gnomAD exomes 0.50346 and 0.51869; TOPMed 0.50513; gnomAD 0.50821 and 0.51050; ExAC 0.51876; 1000 Genomes Project 30x 0.52733; 1000 Genomes Project 0.53395.
gnomAD v4.1: 810,084 of 1,605,870 alleles (50%); highest among the groups gnomAD compares: East Asian, 63%; 205,839 homozygotes.

Submissions (12):

Labcorp Genetics (formerly Invitae), Labcorp
Classification: Benign for Hereditary sensory neuropathy-deafness-dementia syndrome. Last evaluated: 2026-02-04. Review status: criteria provided, single submitter. Criteria: Invitae Variant Classification Sherloc (09022015). Collection method: clinical testing. Allele origin: germline.

Blueprint Genetics
Classification: Benign. Last evaluated: 2024-11-28. Review status: criteria provided, single submitter. Criteria: ACMG Guidelines, 2015. Collection method: clinical testing. Allele origin: germline.

Genome-Nilou Lab
Classification: Benign for Autosomal dominant cerebellar ataxia, deafness and narcolepsy. Last evaluated: 2021-07-30. Review status: criteria provided, single submitter. Criteria: ACMG Guidelines, 2015. Collection method: clinical testing. Allele origin: germline. Affected: no.

Genome-Nilou Lab
Classification: Benign for Hereditary sensory neuropathy-deafness-dementia syndrome. Last evaluated: 2021-07-30. Review status: criteria provided, single submitter. Criteria: ACMG Guidelines, 2015. Collection method: clinical testing. Allele origin: germline. Affected: no.

Mayo Clinic Laboratories, Mayo Clinic
Classification: Benign. Last evaluated: 2020-06-17. Review status: criteria provided, single submitter. Criteria: ACMG Guidelines, 2015. Collection method: clinical testing. Allele origin: germline. Observed: 1,686 variant alleles.

Illumina Laboratory Services, Illumina
Classification: Benign for Hereditary sensory neuropathy-deafness-dementia syndrome. Last evaluated: 2018-01-13. Review status: criteria provided, single submitter. Criteria: ICSL Variant Classification Criteria 13 December 2019. Collection method: clinical testing. Allele origin: germline.
Comment: This variant was observed in the ICSL laboratory as part of a predisposition screen in an ostensibly healthy population. It had not been previously curated by ICSL or reported in the Human Gene Mutation Database (HGMD: prior to June 1st, 2018), and was therefore a candidate for classification through an automated scoring system. Utilizing variant allele frequency, disease prevalence and penetrance estimates, and inheritance mode, an automated score was calculated to assess if this variant is too frequent to cause the disease. Based on the score and internal cut-off values, a variant classified as benign is not then subjected to further curation. The score for this variant resulted in a classification of benign for this disease.

GeneDx
Classification: Benign. Last evaluated: 2015-03-03. Review status: criteria provided, single submitter. Criteria: GeneDx Variant Classification Process June 2021. Collection method: clinical testing. Allele origin: germline. Affected: yes.

Breakthrough Genomics
Classification: Benign. Review status: criteria provided, single submitter. Criteria: ACMG Guidelines, 2015. Collection method: not provided. Allele origin: germline. Inheritance: Autosomal dominant inheritance. Affected: yes.

PreventionGenetics, part of Exact Sciences
Classification: Benign. Review status: criteria provided, single submitter. Criteria: ACMG Guidelines, 2015. Collection method: clinical testing. Allele origin: germline.

Clinical Genetics DNA and cytogenetics Diagnostics Lab, Erasmus MC, Erasmus Medical Center
Classification: Benign. Review status: no assertion criteria provided. Collection method: clinical testing. Allele origin: germline. Affected: yes. Study: VKGL Data-share Consensus. Not counted in ClinVar's aggregate classification.

Clinical Genetics, Academic Medical Center
Classification: Benign. Review status: no assertion criteria provided. Collection method: clinical testing. Allele origin: germline. Affected: yes. Study: VKGL Data-share Consensus. Not counted in ClinVar's aggregate classification.

Joint Genome Diagnostic Labs from Nijmegen and Maastricht, Radboudumc and MUMC+
Classification: Benign. Review status: no assertion criteria provided. Collection method: clinical testing. Allele origin: germline. Affected: yes. Study: VKGL Data-share Consensus. Not counted in ClinVar's aggregate classification.

NM_001130823.3(DNMT1):c.1389A>G (p.Pro463=)

Gene: DNMT1 (DNA methyltransferase 1; minus strand). Cytogenetic location: 19p13.2.
Variant type: single nucleotide variant.
Coding change: c.1389A>G on transcript NM_001130823.3 (MANE Select); coding-DNA position 1389, A replaced by G.
Protein change: p.Pro463=; no amino-acid change (proline 463 retained).
Molecular consequence: synonymous variant.
Genome position (GRCh38, 1-based): chr19:10,156,401, T>C on the plus strand (A>G on the coding strand, the complement: DNMT1 is on the minus strand). VCF-style: chr19-10156401-T-C. GRCh37 (hg19) VCF-style: chr19-10267077-T-C.
Other names: p.Pro463=; c.1341A>G, p.Pro447= (NM_001318730.2, NM_001379.4); c.1026A>G, p.Pro342= (NM_001318731.2); c.1389A>G (LRG_362t1).
Identifiers: ClinVar variation 257536 (VCV000257536.27), dbSNP rs2228611, ClinGen allele CA9188313.